The following is an entry in ClinVar:

ClinVar aggregate classification (germline): Uncertain significance (1 of 4 stars; one submission).

Submission:

Labcorp Genetics (formerly Invitae), Labcorp
Classification: Uncertain significance. Last evaluated: 2022-09-09. Review status: criteria provided, single submitter. Criteria: Invitae Variant Classification Sherloc (09022015). Collection method: clinical testing. Allele origin: germline.
Comment: Advanced modeling of protein sequence and biophysical properties (such as structural, functional, and spatial information, amino acid conservation, physicochemical variation, residue mobility, and thermodynamic stability) performed at Invitae indicates that this missense variant is not expected to disrupt JAK1 protein function. In summary, the available evidence is currently insufficient to determine the role of this variant in disease. Therefore, it has been classified as a Variant of Uncertain Significance. This variant has not been reported in the literature in individuals affected with JAK1-related conditions. This sequence change replaces tyrosine, which is neutral and polar, with histidine, which is basic and polar, at codon 704 of the JAK1 protein (p.Tyr704His). This variant is not present in population databases (gnomAD no frequency).

NM_002227.4(JAK1):c.2110T>C (p.Tyr704His)

Gene: JAK1 (Janus kinase 1; minus strand). Cytogenetic location: 1p31.3.
Variant type: single nucleotide variant.
Coding change: c.2110T>C on transcript NM_002227.4 (MANE Select); coding-DNA position 2110, T replaced by C.
Protein change: p.Tyr704His; replaces tyrosine 704 with histidine.
Molecular consequence: missense variant.
Genome position (GRCh38, 1-based): chr1:64,845,518, A>G on the plus strand (T>C on the coding strand, the complement: JAK1 is on the minus strand). VCF-style: chr1-64845518-A-G. GRCh37 (hg19) VCF-style: chr1-65311201-A-G.
Other names: c.2110T>C, p.Tyr704His (NM_001320923.2, NM_001321852.2, NM_001321853.2 and 3 more transcripts); c.2107T>C, p.Tyr703His (NM_001321857.2); short protein forms Y704H, Y703H.
Identifiers: ClinVar variation 2067922 (VCV002067922.4), dbSNP rs2524073494, ClinGen allele CA340667328.
Genomic context (GRCh38, chr1:64,845,518, plus strand): 5'-TCCCAGGACACTCTGGTTTCTGGTGGGACCATTATGGACATCAGGACATTCTCACCAAGT[A>G]GCTCAGGGCACTGGCCAGCTGTTTGGCAACTTTGAATTTCCATGGTGTGGTAAGGACATC-3'
Protein context (NP_002218.2, residues 694-714): VAKQLASALS[Tyr704His]LEDKDLVHGN